The following is an entry in ClinVar:

ClinVar aggregate classification (germline): Likely pathogenic (1 of 4 stars; one submission).

Conditions:
Ehlers-Danlos syndrome, type 4 (EDSVASC). Also called: Ehlers-Danlos syndrome vascular type; Ehlers Danlos syndrome, ecchymotic type; Ehlers Danlos syndrome, arterial type; Ehlers Danlos syndrome, Sack-Barabas type; Ehlers-Danlos Syndrome Type IV. Identifiers: Orphanet 286, MedGen C0268338, MONDO:0017314, OMIM 130050.

Submission:

Labcorp Genetics (formerly Invitae), Labcorp
Classification: Likely pathogenic for Ehlers-Danlos syndrome, type 4. Last evaluated: 2025-09-04. Review status: criteria provided, single submitter. Criteria: Invitae Variant Classification Sherloc (09022015). Collection method: clinical testing. Allele origin: germline.
Comment: This sequence change replaces glycine, which is neutral and non-polar, with serine, which is neutral and polar, at codon 603 of the COL3A1 protein (p.Gly603Ser). This variant is not present in population databases (gnomAD no frequency). This variant has not been reported in the literature in individuals affected with COL3A1-related conditions. Invitae Evidence Modeling of protein sequence and biophysical properties (such as structural, functional, and spatial information, amino acid conservation, physicochemical variation, residue mobility, and thermodynamic stability) indicates that this missense variant is expected to disrupt COL3A1 protein function with a positive predictive value of 95%. This variant disrupts the triple helix domain of COL3A1. Glycine residues within the Gly-Xaa-Yaa repeats of the triple helix domain are required for the structure and stability of fibrillar collagens (PMID: 7695699, 8218237, 19344236). In COL3A1, variants that affect these glycine residues are significantly enriched in individuals with disease (PMID: 24922459, 25758994) compared to the general population (ExAC). In summary, the currently available evidence indicates that the variant is pathogenic, but additional data are needed to prove that conclusively. Therefore, this variant has been classified as Likely Pathogenic.

Literature cited by the submitters: PubMed 7695699; PubMed 8218237; PubMed 19344236; PubMed 24922459; PubMed 25758994.

NM_000090.4(COL3A1):c.1807G>A (p.Gly603Ser)

Gene: COL3A1 (collagen type III alpha 1 chain; plus strand). Cytogenetic location: 2q32.2.
Variant type: single nucleotide variant.
Coding change: c.1807G>A on transcript NM_000090.4 (MANE Select); coding-DNA position 1807, G replaced by A.
Protein change: p.Gly603Ser; replaces glycine 603 with serine.
Molecular consequence: missense variant.
Genome position (GRCh38, 1-based): chr2:188,997,210, G>A. VCF-style: chr2-188997210-G-A. GRCh37 (hg19) VCF-style: chr2-189861936-G-A.
Other names: short protein forms G603S.
Identifiers: ClinVar variation 4698482 (VCV004698482.1).